The following is an entry in ClinVar:

ClinVar aggregate classification (germline): Likely benign. Review status: criteria provided, multiple submitters, no conflicts (2 of 4 stars). 2 submissions from 2 submitters: Likely benign (2). Last evaluated 2024-07-03.

Allele frequency attached by ClinVar (database versions not stated): TOPMed below 0.00001; gnomAD 0.00001.

Submissions (2):

Labcorp Genetics (formerly Invitae), Labcorp
Classification: Likely benign. Last evaluated: 2024-07-03. Review status: criteria provided, single submitter. Criteria: Invitae Variant Classification Sherloc (09022015). Collection method: clinical testing. Allele origin: germline.

CeGaT Center for Human Genetics Tuebingen
Classification: Likely benign. Last evaluated: 2022-08-01. Review status: criteria provided, single submitter. Criteria: CeGaT Center For Human Genetics Tuebingen Variant Classification Criteria Version 2. Collection method: clinical testing. Allele origin: germline. Affected: yes. Observed: 1 variant allele.
Comment: AMH: BP4, BP7

NM_000479.5(AMH):c.852A>G (p.Pro284=)

Gene: AMH (anti-Mullerian hormone; plus strand). Cytogenetic location: 19p13.3.
Variant type: single nucleotide variant.
Coding change: c.852A>G on transcript NM_000479.5 (MANE Select); coding-DNA position 852, A replaced by G.
Protein change: p.Pro284=; no amino-acid change (proline 284 retained).
Molecular consequence: synonymous variant.
Genome position (GRCh38, 1-based): chr19:2,251,126, A>G. VCF-style: chr19-2251126-A-G. GRCh37 (hg19) VCF-style: chr19-2251125-A-G.
Identifiers: ClinVar variation 1711458 (VCV001711458.32), dbSNP rs1269256449, ClinGen allele CA505142845.